The following is an entry in ClinVar:

NM_000321.3(RB1):c.1306C>A (p.Gln436Lys)

Gene: RB1 (RB transcriptional corepressor 1; plus strand). Cytogenetic location: 13q14.2.
Variant type: single nucleotide variant.
Coding change: c.1306C>A on transcript NM_000321.3 (MANE Select); coding-DNA position 1306, C replaced by A.
Protein change: p.Gln436Lys; replaces glutamine 436 with lysine.
Molecular consequence: missense variant.
Genome position (GRCh38, 1-based): chr13:48,377,008, C>A. VCF-style: chr13-48377008-C-A. GRCh37 (hg19) VCF-style: chr13-48951144-C-A.
Other names: short protein forms Q436K.
Identifiers: ClinVar variation 237660 (VCV000237660.30), dbSNP rs4151534, ClinGen allele CA028112.
Genomic context (GRCh38, chr13:48,377,008, plus strand): 5'-CTGAAAAGAGTGAAGGATATAGGATACATCTTTAAAGAGAAATTTGCTAAAGCTGTGGGA[C>A]AGGGTTGTGTCGAAATTGGATCACAGGTAACTTGAATTCATTGTAATTCGTGGTACTATA-3'
Protein context (NP_000312.2, residues 426-446): FKEKFAKAVG[Gln436Lys]GCVEIGSQRY

ClinVar aggregate classification (germline): Benign/Likely benign. Review status: criteria provided, multiple submitters, no conflicts (2 of 4 stars). 11 submissions from 11 submitters: Benign (4); Likely benign (7). Last evaluated 2026-10-01.

Conditions:
Hereditary cancer-predisposing syndrome. Also called: Hereditary neoplastic syndrome; Hereditary Cancer Syndrome; Neoplastic Syndromes, Hereditary; Tumor predisposition. Identifiers: Orphanet 140162, MedGen C0027672, MeSH D009386, MONDO:0015356.
Retinoblastoma (RB1). Also called: RETINOBLASTOMA, SOMATIC. Identifiers: Orphanet 790, MedGen C0035335, MeSH D012175, MONDO:0008380, OMIM 180200, HP:0009919. Disease mechanism: loss of function. Inheritance: Both sporadic and heritable forms are tested..

Allele frequency attached by ClinVar (database versions not stated): gnomAD 0.00013 and 0.00014; gnomAD exomes 0.00015 and 0.00075; TOPMed 0.00026; ExAC 0.00060.
gnomAD v4.1: 231 of 1,613,630 alleles (0.014%); highest among the groups gnomAD compares: Admixed American, 0.38%; 2 homozygotes.

Submissions (11):

St. Jude Molecular Pathology, St. Jude Children's Research Hospital
Classification: Likely benign for Retinoblastoma. Last evaluated: 2026-10-01. Review status: criteria provided, single submitter. Criteria: St. Jude Assertion Criteria 2020. Collection method: clinical testing. Allele origin: germline.
Comment: The RB1 c.1306C>A p.(Gln436Lys) missense change has a maximum subpopulation frequency of 0.6% in gnomAD v2.1.1, including 3 homozygotes. The in silico tool REVEL is inconclusive about a pathogenic or benign effect of this variant on protein function, and to our knowledge functional studies have not been performed. This variant was reported in an indivi dual with unilateral retinoblastoma whose unaffected father also carried the variant (PMID: 19280657). In summary, this variant meets criteria to be classified as likely benign.

CeGaT Center for Human Genetics Tuebingen
Classification: Likely benign. Last evaluated: 2026-08-01. Review status: criteria provided, single submitter. Criteria: CeGaT Center For Human Genetics Tuebingen Variant Classification Criteria Version 2. Collection method: clinical testing. Allele origin: germline. Affected: yes. Observed: 7 variant alleles.
Comment: RB1: BS1

Labcorp Genetics (formerly Invitae), Labcorp
Classification: Benign for Retinoblastoma. Last evaluated: 2026-01-14. Review status: criteria provided, single submitter. Criteria: Invitae Variant Classification Sherloc (09022015). Collection method: clinical testing. Allele origin: germline.

ARUP Laboratories, Molecular Genetics and Genomics, ARUP Laboratories
Classification: Likely benign. Last evaluated: 2025-05-07. Review status: criteria provided, single submitter. Criteria: ARUP Molecular Germline Variant Investigation Process 2024. Collection method: clinical testing. Allele origin: germline.

All of Us Research Program, National Institutes of Health
Classification: Benign for Retinoblastoma. Last evaluated: 2024-09-23. Review status: criteria provided, single submitter. Criteria: ACMG Guidelines, 2015. Collection method: clinical testing. Allele origin: germline. Inheritance: Autosomal dominant inheritance. Observed: 79 variant alleles, 79 heterozygotes.
Comment: This study involves interpretation of variants in research participants for the purpose of population health screening. Participant phenotype was not available at the time of variant classification. Additional details can be found in publication PMID: 35346344, PMCID: PMC8962531

Genetic Diagnostic Laboratory, University of Pennsylvania School of Medicine
Classification: Likely benign for Retinoblastoma. Last evaluated: 2024-05-20. Review status: criteria provided, single submitter. Criteria: ACMG Guidelines, 2015. Collection method: clinical testing. Allele origin: germline. Affected: yes. Observed: 2 variant alleles.
Comment: Case and Pedigree Information: BILATERAL CASES:0, UNILATERAL CASES:2, TOTAL CASES:2, PEDIGREES:2. ACMG Codes Applied:BS1, BP4

Blueprint Genetics
Classification: Likely benign. Last evaluated: 2022-10-04. Review status: criteria provided, single submitter. Criteria: ACMG Guidelines, 2015. Collection method: clinical testing. Allele origin: germline.

Color Diagnostics, LLC DBA Color Health
Classification: Benign for Retinoblastoma. Last evaluated: 2022-04-28. Review status: criteria provided, single submitter. Criteria: ACMG Guidelines, 2015. Collection method: clinical testing. Allele origin: germline.

Sema4
Classification: Benign for Hereditary cancer-predisposing syndrome. Last evaluated: 2021-05-08. Review status: criteria provided, single submitter. Criteria: Sema4 Curation Guidelines. Collection method: curation. Allele origin: germline.

Ambry Genetics
Classification: Likely benign for Hereditary cancer-predisposing syndrome. Last evaluated: 2020-10-02. Review status: criteria provided, single submitter. Criteria: Ambry Variant Classification Scheme 2023. Collection method: clinical testing. Allele origin: germline.

Illumina Laboratory Services, Illumina
Classification: Likely benign for Retinoblastoma. Last evaluated: 2019-01-07. Review status: criteria provided, single submitter. Criteria: ICSL Variant Classification Criteria 13 December 2019. Collection method: clinical testing. Allele origin: germline.
Comment: This variant was observed as part of a predisposition screen in an ostensibly healthy population. A literature search was performed for the gene, cDNA change, and amino acid change (where applicable). Publications were found based on this search. The evidence from the literature, in combination with allele frequency data from public databases where available, was sufficient to determine this variant is unlikely to cause disease. Therefore, this variant is classified as likely benign.

Literature cited by the submitters: PubMed 19280657 (cited by Ambry Genetics and Illumina Laboratory Services, Illumina); PubMed 20596833 (cited by Ambry Genetics and Illumina Laboratory Services, Illumina).